The following is an entry in ClinVar:

ClinVar aggregate classification (germline): Pathogenic (1 of 4 stars; one submission).

Submission:

Genetic Services Laboratory, University of Chicago
Classification: Pathogenic. Last evaluated: 2018-07-14. Review status: criteria provided, single submitter. Criteria: ACMG Guidelines, 2015. Collection method: clinical testing. Allele origin: germline. Affected: yes.
Comment: DNA sequence analysis of the TWIST1 gene demonstrated a single base pair deletion in exon 1, c.108del. This pathogenic sequence change results in an amino acid frameshift and creates a premature stop codon 88 amino acids downstream of the mutation, p.Arg37Alafs*88. This pathogenic sequence change is predicted to cause loss of normal protein function either through protein truncation or nonsense-mediated mRNA decay. This particular pathogenic sequence change has been previously described in a patient with Saethre-Chotzen syndrome (PMID: 16251895).

NM_000474.4(TWIST1):c.108del (p.Arg37fs)

Gene: TWIST1 (twist family bHLH transcription factor 1; minus strand). Cytogenetic location: 7p21.1.
Variant type: Deletion.
Coding change: c.108del on transcript NM_000474.4 (MANE Select); coding-DNA position 108, one base deleted (A; older notation c.108delA).
Protein change: p.Arg37fs; shifts the reading frame from arginine 37.
Molecular consequence: frameshift variant. On other transcripts: non-coding transcript variant (1).
Genome position (GRCh38, 1-based): chr7:19,117,214, T deleted on the plus strand (A on the coding strand, the reverse complement: TWIST1 is on the minus strand). VCF-style (leftmost placement, unchanged base first): chr7-19117213-GT-G. GRCh37 (hg19) VCF-style: chr7-19156836-GT-G.
Other names: short protein forms R37fs.
Identifiers: ClinVar variation 1338420 (VCV001338420.4), dbSNP rs2115397200, ClinGen allele CA2573052855.